The following is an entry in ClinVar:

NM_003922.4(HERC1):c.9176A>G (p.Lys3059Arg)

Gene: HERC1 (HECT and RLD domain containing E3 ubiquitin protein ligase family member 1; minus strand). Cytogenetic location: 15q22.31.
Variant type: single nucleotide variant.
Coding change: c.9176A>G on transcript NM_003922.4 (MANE Select); coding-DNA position 9176, A replaced by G.
Protein change: p.Lys3059Arg; replaces lysine 3059 with arginine.
Molecular consequence: missense variant.
Genome position (GRCh38, 1-based): chr15:63,661,020, T>C on the plus strand (A>G on the coding strand, the complement: HERC1 is on the minus strand). VCF-style: chr15-63661020-T-C. GRCh37 (hg19) VCF-style: chr15-63953219-T-C.
Other names: short protein forms K3059R.
Identifiers: ClinVar variation 2098819 (VCV002098819.1), dbSNP rs1196285117, ClinGen allele CA392761447.
Genomic context (GRCh38, chr15:63,661,020, plus strand): 5'-CAAAACAAACTACCTTCATACACACTGTCTTGCTTGCCAATTAGATCTGGAGCTTGTCCC[T>C]TGTACCTGCACCAAACATGAAGAACATTGCATTTTTATATAAAACAGTTAGTACCCCAAG-3'
Protein context (NP_003913.3, residues 3049-3069): KSKSTSSERY[Lys3059Arg]GQAPDLIGKQ

ClinVar aggregate classification (germline): Uncertain significance (1 of 4 stars; one submission).

Allele frequency attached by ClinVar (database versions not stated): gnomAD exomes 0.00001.
gnomAD v4.1: 15 of 1,611,492 alleles (0.00093%); highest among the groups gnomAD compares: Non-Finnish European, 0.0013%; no homozygotes.

Submission:

Labcorp Genetics (formerly Invitae), Labcorp
Classification: Uncertain significance. Last evaluated: 2022-05-15. Review status: criteria provided, single submitter. Criteria: Invitae Variant Classification Sherloc (09022015). Collection method: clinical testing. Allele origin: germline.
Comment: This sequence change replaces lysine, which is basic and polar, with arginine, which is basic and polar, at codon 3059 of the HERC1 protein (p.Lys3059Arg). This variant is present in population databases (no rsID available, gnomAD 0.0009%). This variant has not been reported in the literature in individuals affected with HERC1-related conditions. Algorithms developed to predict the effect of missense changes on protein structure and function (SIFT, PolyPhen-2, Align-GVGD) all suggest that this variant is likely to be disruptive. In summary, the available evidence is currently insufficient to determine the role of this variant in disease. Therefore, it has been classified as a Variant of Uncertain Significance.